The following is an entry in ClinVar:

NM_001655.5(ARCN1):c.1333A>G (p.Ile445Val)

Gene: ARCN1 (archain 1 coat protein complex I subunit delta; plus strand). Cytogenetic location: 11q23.3.
Variant type: single nucleotide variant.
Coding change: c.1333A>G on transcript NM_001655.5 (MANE Select); coding-DNA position 1333, A replaced by G.
Protein change: p.Ile445Val; replaces isoleucine 445 with valine.
Molecular consequence: missense variant.
Genome position (GRCh38, 1-based): chr11:118,597,798, A>G. VCF-style: chr11-118597798-A-G. GRCh37 (hg19) VCF-style: chr11-118468513-A-G.
Other names: c.1069A>G, p.Ile357Val (NM_001142281.2); short protein forms I357V, I445V.
Identifiers: ClinVar variation 1471064 (VCV001471064.6), dbSNP rs2135556722, ClinGen allele CA382817678.

ClinVar aggregate classification (germline): Uncertain significance (1 of 4 stars; one submission).

Submission:

Labcorp Genetics (formerly Invitae), Labcorp
Classification: Uncertain significance. Last evaluated: 2020-11-12. Review status: criteria provided, single submitter. Criteria: Invitae Variant Classification Sherloc (09022015). Collection method: clinical testing. Allele origin: germline.
Comment: In summary, the available evidence is currently insufficient to determine the role of this variant in disease. Therefore, it has been classified as a Variant of Uncertain Significance. Algorithms developed to predict the effect of missense changes on protein structure and function are either unavailable or do not agree on the potential impact of this missense change (SIFT: "Deleterious"; PolyPhen-2: "Benign"; Align-GVGD: "Class C25"). This variant has not been reported in the literature in individuals with ARCN1-related conditions. This variant is not present in population databases (ExAC no frequency). This sequence change replaces isoleucine with valine at codon 445 of the ARCN1 protein (p.Ile445Val). The isoleucine residue is highly conserved and there is a small physicochemical difference between isoleucine and valine.